The following is an entry in ClinVar:

ClinVar aggregate classification (germline): Uncertain significance. Review status: criteria provided, multiple submitters, no conflicts (2 of 4 stars). 2 submissions from 2 submitters: Uncertain significance (2). Last evaluated 2026-07-19.

Conditions:
Inborn genetic diseases. Identifiers: MedGen C0950123, MeSH D030342.
Combined malonic and methylmalonic acidemia. Identifiers: Orphanet 289504, MedGen C3280314, MONDO:0013661, OMIM 614265.

Allele frequency attached by ClinVar (database versions not stated): gnomAD exomes below 0.00001; gnomAD 0.00004 and 0.00003; ExAC 0.00001; TOPMed 0.00002.
gnomAD v4.1: 8 of 1,548,408 alleles (0.00052%); highest among the groups gnomAD compares: African/African-American, 0.0048%; no homozygotes.

Submissions (2):

Ambry Genetics
Classification: Uncertain significance for Inborn genetic diseases. Last evaluated: 2026-07-19. Review status: criteria provided, single submitter. Criteria: Ambry Variant Classification Scheme 2023. Collection method: clinical testing. Allele origin: germline.
Comment: The c.16G>C (p.V6L) alteration is located in exon 3 (coding exon 1) of the ACSF3 gene. This alteration results from a G to C substitution at nucleotide position 16, causing the valine (V) at amino acid position 6 to be replaced by a leucine (L). Based on data from gnomAD, the C allele has an overall frequency of 0.001% (2/226506) total alleles studied. The highest observed frequency was 0.005% (1/19594) of African alleles. Based on insufficient or conflicting evidence, the clinical significance of this alteration remains unclear.

Labcorp Genetics (formerly Invitae), Labcorp
Classification: Uncertain significance for Combined malonic and methylmalonic acidemia. Last evaluated: 2021-08-31. Review status: criteria provided, single submitter. Criteria: Invitae Variant Classification Sherloc (09022015). Collection method: clinical testing. Allele origin: germline.
Comment: This sequence change replaces valine with leucine at codon 6 of the ACSF3 protein (p.Val6Leu). The valine residue is weakly conserved and there is a small physicochemical difference between valine and leucine. This variant is present in population databases (rs776314400, ExAC 0.002%). This variant has not been reported in the literature in individuals affected with ACSF3-related conditions. Algorithms developed to predict the effect of missense changes on protein structure and function (SIFT, PolyPhen-2, Align-GVGD) all suggest that this variant is likely to be tolerated. In summary, the available evidence is currently insufficient to determine the role of this variant in disease. Therefore, it has been classified as a Variant of Uncertain Significance.

NM_001243279.3(ACSF3):c.16G>C (p.Val6Leu)

Gene: ACSF3 (acyl-CoA synthetase family member 3; plus strand). Cytogenetic location: 16q24.3.
Variant type: single nucleotide variant.
Coding change: c.16G>C on transcript NM_001243279.3 (MANE Select); coding-DNA position 16, G replaced by C.
Protein change: p.Val6Leu; replaces valine 6 with leucine.
Molecular consequence: missense variant. On other transcripts: non-coding transcript variant (3), intron variant (1).
Genome position (GRCh38, 1-based): chr16:89,100,697, G>C. VCF-style: chr16-89100697-G-C. GRCh37 (hg19) VCF-style: chr16-89167105-G-C.
Other names: c.16G>C, p.Val6Leu (NM_001127214.4, NM_174917.5); c.-129-1907G>C (NM_001284316.2); c.16G>C (NM_174917.3); short protein forms V6L.
Identifiers: ClinVar variation 1518438 (VCV001518438.6), dbSNP rs776314400, ClinGen allele CA8237517.
Genomic context (GRCh38, chr16:89,100,697, plus strand): 5'-CGTCCTGTGCCTTGCCTTTCTCCAGCTCGGCCGCCTGTCAGTGCAATGCTGCCCCATGTG[G>C]TGCTCACCTTCCGGCGCCTGGGCTGCGCCTTGGCGTCCTGCCGGCTGGCGCCTGCGAGAC-3'
Protein context (NP_001230208.1, residues 1-16): MLPHV[Val6Leu]LTFRRLGCAL